The following is an entry in ClinVar:

ClinVar aggregate classification (germline): Uncertain significance. Review status: criteria provided, multiple submitters, no conflicts (2 of 4 stars). 2 submissions from 2 submitters: Uncertain significance (2). Last evaluated 2026-07-01.

Allele frequency attached by ClinVar (database versions not stated): TOPMed below 0.00001; gnomAD 0.00001; gnomAD exomes 0.00001.
gnomAD v4.1: 17 of 1,613,220 alleles (0.0011%); highest among the groups gnomAD compares: Middle Eastern, 0.016%; no homozygotes.

Submissions (2):

CeGaT Center for Human Genetics Tuebingen
Classification: Uncertain significance. Last evaluated: 2026-07-01. Review status: criteria provided, single submitter. Criteria: CeGaT Center For Human Genetics Tuebingen Variant Classification Criteria Version 2. Collection method: clinical testing. Allele origin: germline. Affected: yes. Observed: 1 variant allele.
Comment: PCLO: PM2, BP4

Labcorp Genetics (formerly Invitae), Labcorp
Classification: Uncertain significance. Last evaluated: 2023-05-29. Review status: criteria provided, single submitter. Criteria: Invitae Variant Classification Sherloc (09022015). Collection method: clinical testing. Allele origin: germline.
Comment: In summary, the available evidence is currently insufficient to determine the role of this variant in disease. Therefore, it has been classified as a Variant of Uncertain Significance. Experimental studies and prediction algorithms are not available or were not evaluated, and the functional significance of this variant is currently unknown. This variant has not been reported in the literature in individuals affected with PCLO-related conditions. This variant is not present in population databases (gnomAD no frequency). This sequence change replaces glutamic acid, which is acidic and polar, with lysine, which is basic and polar, at codon 199 of the PCLO protein (p.Glu199Lys).

NM_033026.6(PCLO):c.595G>A (p.Glu199Lys)

Gene: PCLO (piccolo presynaptic cytomatrix protein; minus strand). Cytogenetic location: 7q21.11.
Variant type: single nucleotide variant.
Coding change: c.595G>A on transcript NM_033026.6 (MANE Select); coding-DNA position 595, G replaced by A.
Protein change: p.Glu199Lys; replaces glutamic acid 199 with lysine.
Molecular consequence: missense variant.
Genome position (GRCh38, 1-based): chr7:83,156,046, C>T on the plus strand (G>A on the coding strand, the complement: PCLO is on the minus strand). VCF-style: chr7-83156046-C-T. GRCh37 (hg19) VCF-style: chr7-82785362-C-T.
Other names: c.595G>A, p.Glu199Lys (NM_014510.3); short protein forms E199K.
Identifiers: ClinVar variation 2889805 (VCV002889805.2), dbSNP rs1395479813, ClinGen allele CA367920392.